The following is an entry in ClinVar:

NM_000535.7(PMS2):c.2085C>G (p.Ile695Met)

Gene: PMS2 (PMS1 homolog 2, mismatch repair system component; minus strand). Cytogenetic location: 7p22.1.
Variant type: single nucleotide variant.
Coding change: c.2085C>G on transcript NM_000535.7 (MANE Select); coding-DNA position 2085, C replaced by G.
Protein change: p.Ile695Met; replaces isoleucine 695 with methionine.
Molecular consequence: missense variant. On other transcripts: non-coding transcript variant (1).
Genome position (GRCh38, 1-based): chr7:5,982,913, G>C on the plus strand (C>G on the coding strand, the complement: PMS2 is on the minus strand). VCF-style: chr7-5982913-G-C. GRCh37 (hg19) VCF-style: chr7-6022544-G-C.
Other names: c.1680C>G, p.Ile560Met (NM_001322003.2, NM_001322004.2, NM_001322005.2 and 1 more transcripts); c.1929C>G, p.Ile643Met (NM_001322006.2); c.1767C>G, p.Ile589Met (NM_001322007.2, NM_001322008.2); c.1524C>G, p.Ile508Met (NM_001322010.2); c.1152C>G, p.Ile384Met (NM_001322011.2, NM_001322012.2); c.1512C>G, p.Ile504Met (NM_001322013.2); c.2085C>G, p.Ile695Met (NM_001322014.2); c.1776C>G, p.Ile592Met (NM_001322015.2); short protein forms I384M, I504M, I560M, I592M, I695M, I508M, I643M, I589M.
Identifiers: ClinVar variation 1524598 (VCV001524598.8), dbSNP rs757157176, ClinGen allele CA366738030.

ClinVar aggregate classification (germline): Uncertain significance. Review status: criteria provided, multiple submitters, no conflicts (2 of 4 stars). 2 submissions from 2 submitters: Uncertain significance (2). Last evaluated 2025-09-22.

Conditions:
Hereditary cancer-predisposing syndrome. Also called: Neoplastic Syndromes, Hereditary; Hereditary Cancer Syndrome; Tumor predisposition; Hereditary neoplastic syndrome. Identifiers: Orphanet 140162, MedGen C0027672, MeSH D009386, MONDO:0015356.
Hereditary nonpolyposis colorectal neoplasms. Identifiers: MedGen C0009405, MeSH D003123.

Submissions (2):

Color Diagnostics, LLC DBA Color Health
Classification: Uncertain significance for Hereditary cancer-predisposing syndrome. Last evaluated: 2025-09-22. Review status: criteria provided, single submitter. Criteria: ACMG Guidelines, 2015. Collection method: clinical testing. Allele origin: germline.
Comment: This missense variant replaces isoleucine with methionine at codon 695 of the PMS2 protein. Computational prediction suggests that this variant may not impact protein structure and function. To our knowledge, functional studies have not been reported for this variant. This variant has not been reported in individuals affected with PMS2-related disorders in the literature. This variant has not been identified in the general population by the Genome Aggregation Database (gnomAD). The available evidence is insufficient to determine the role of this variant in disease conclusively. Therefore, this variant is classified as a Variant of Uncertain Significance.

Labcorp Genetics (formerly Invitae), Labcorp
Classification: Uncertain significance for Hereditary nonpolyposis colorectal neoplasms. Last evaluated: 2020-11-02. Review status: criteria provided, single submitter. Criteria: Invitae Variant Classification Sherloc (09022015). Collection method: clinical testing. Allele origin: germline.
Comment: This sequence change replaces isoleucine with methionine at codon 695 of the PMS2 protein (p.Ile695Met). The isoleucine residue is weakly conserved and there is a small physicochemical difference between isoleucine and methionine. The frequency data for this variant in the population databases (ExAC) is considered unreliable due to the presence of homologous sequence, such as pseudogenes or paralogs, in the genome. This variant has not been reported in the literature in individuals with PMS2-related conditions. Advanced modeling of protein sequence and biophysical properties (such as structural, functional, and spatial information, amino acid conservation, physicochemical variation, residue mobility, and thermodynamic stability) performed at Invitae indicates that this missense variant is not expected to disrupt PMS2 protein function. In summary, the available evidence is currently insufficient to determine the role of this variant in disease. Therefore, it has been classified as a Variant of Uncertain Significance.